The following is an entry in ClinVar:

NM_003036.4(SKI):c.1019C>G (p.Ser340Cys)

Gene: SKI (SKI proto-oncogene; plus strand). Cytogenetic location: 1p36.32.
Variant type: single nucleotide variant.
Coding change: c.1019C>G on transcript NM_003036.4 (MANE Select); coding-DNA position 1019, C replaced by G.
Protein change: p.Ser340Cys; replaces serine 340 with cysteine.
Molecular consequence: missense variant.
Genome position (GRCh38, 1-based): chr1:2,303,027, C>G. VCF-style: chr1-2303027-C-G. GRCh37 (hg19) VCF-style: chr1-2234466-C-G.
Other names: short protein forms S340C.
Identifiers: ClinVar variation 4881669 (VCV004881669.2).

ClinVar aggregate classification (germline): Uncertain significance (1 of 4 stars; one submission).

Conditions:
Shprintzen-Goldberg syndrome (SGS). Also called: SHPRINTZEN-GOLDBERG CRANIOSYNOSTOSIS SYNDROME; CRANIOSYNOSTOSIS WITH ARACHNODACTYLY AND ABDOMINAL HERNIAS; Marfanoid disorder with craniosynostosis type 1; Marfanoid craniosynostosis syndrome; Shprintzen-Goldberg marfanoid syndrome. Identifiers: Orphanet 2462, MedGen C1321551, MONDO:0008426, OMIM 182212.

gnomAD v4.1: 1 of 1,613,762 alleles (0.000062%); highest among the groups gnomAD compares: Admixed American, 0.0017%; no homozygotes.

Submission:

Dasa
Classification: Uncertain significance for Shprintzen-Goldberg syndrome. Last evaluated: 2025-07-21. Review status: criteria provided, single submitter. Criteria: DASA Assertion Criteria. Collection method: clinical testing. Allele origin: germline.
Comment: NM_003036.4(SKI):c.1019C>G (p.Ser340Cys) is a missense variant that results in the substitution of serine with cysteine. This variant is rare in population databases. Computational prediction algorithms are consistent with a benign effect. The currently available literature and clinical evidence are not sufficient to establish a definitive association between this variant and the reported condition. Therefore, this variant is classified as a variant of uncertain significance.